The following is an entry in ClinVar:

ClinVar aggregate classification (germline): Pathogenic (1 of 4 stars; one submission).

Submission:

Labcorp Genetics (formerly Invitae), Labcorp
Classification: Pathogenic. Last evaluated: 2026-02-01. Review status: criteria provided, single submitter. Criteria: Invitae Variant Classification Sherloc (09022015). Collection method: clinical testing. Allele origin: germline.
Comment: This sequence change creates a premature translational stop signal (p.Tyr74*) in the SLC30A10 gene. It is expected to result in an absent or disrupted protein product. Loss-of-function variants in SLC30A10 are known to be pathogenic (PMID: 22341971, 22341972, 25778823). This variant is not present in population databases (gnomAD no frequency). This variant has not been reported in the literature in individuals affected with SLC30A10-related conditions. For these reasons, this variant has been classified as Pathogenic.

Literature cited by the submitters: PubMed 22341971; PubMed 22341972; PubMed 25778823.

NM_018713.3(SLC30A10):c.222C>G (p.Tyr74Ter)

Gene: SLC30A10 (solute carrier family 30 member 10; minus strand). Cytogenetic location: 1q41.
Variant type: single nucleotide variant.
Coding change: c.222C>G on transcript NM_018713.3 (MANE Select); coding-DNA position 222, C replaced by G.
Protein change: p.Tyr74Ter; replaces tyrosine 74 with a stop codon.
Molecular consequence: nonsense. On other transcripts: 5 prime UTR variant (1), intron variant (1).
Genome position (GRCh38, 1-based): chr1:219,928,219, G>C on the plus strand (C>G on the coding strand, the complement: SLC30A10 is on the minus strand). VCF-style: chr1-219928219-G-C. GRCh37 (hg19) VCF-style: chr1-220101561-G-C.
Other names: c.-492C>G (NM_001416005.1); c.452-1114C>G (NM_001376929.1); short protein forms Y74*.
Identifiers: ClinVar variation 4736552 (VCV004736552.1).